The following is an entry in ClinVar:

ClinVar aggregate classification (germline): Uncertain significance. Review status: criteria provided, single submitter (1 of 4 stars). 2 submissions from 2 submitters: Uncertain significance (1). 1 of the submissions does not count toward it. Last evaluated 2024-01-19.

Conditions:
Congenital myasthenic syndrome (CMS). Also called: Congenital Myasthenic Syndromes. Identifiers: Orphanet 590, MedGen C0751882, MeSH D020294, MONDO:0018940.
Congenital myasthenic syndrome 8. Also called: MYASTHENIC SYNDROME, CONGENITAL, DUE TO AGRIN DEFICIENCY; Myasthenic syndrome, congenital, 8, with pre- and postsynaptic defects. Identifiers: Orphanet 590, MedGen C3808739, MONDO:0014052, OMIM 615120.

Allele frequency attached by ClinVar (database versions not stated): ExAC 0.00001; gnomAD exomes 0.00001 and below 0.00001.
gnomAD v4.1: 3 of 1,613,850 alleles (0.00019%); highest among the groups gnomAD compares: Admixed American, 0.0017%; no homozygotes.

Submissions (2):

Labcorp Genetics (formerly Invitae), Labcorp
Classification: Uncertain significance for Congenital myasthenic syndrome 8. Last evaluated: 2024-01-19. Review status: criteria provided, single submitter. Criteria: Invitae Variant Classification Sherloc (09022015). Collection method: clinical testing. Allele origin: germline.
Comment: This sequence change replaces glycine, which is neutral and non-polar, with arginine, which is basic and polar, at codon 1871 of the AGRN protein (p.Gly1871Arg). This variant is present in population databases (rs763818876, gnomAD 0.003%). This missense change has been observed in individual(s) with congenital myasthenic syndrome (PMID: 24951643). ClinVar contains an entry for this variant (Variation ID: 243040). An algorithm developed to predict the effect of missense changes on protein structure and function (PolyPhen-2) suggests that this variant is likely to be disruptive. In summary, the available evidence is currently insufficient to determine the role of this variant in disease. Therefore, it has been classified as a Variant of Uncertain Significance.

GeneReviews
No classification provided. Condition: Congenital myasthenic syndrome. Review status: no classification provided. Collection method: literature only. Allele origin: germline. Affected: yes. Not counted in ClinVar's aggregate classification.

Literature cited by the submitters: PubMed 24951643 (cited by Labcorp Genetics (formerly Invitae), Labcorp); NCBI Bookshelf NBK1168 (cited by GeneReviews).

NM_198576.4(AGRN):c.5611G>A (p.Gly1871Arg)

Gene: AGRN (agrin; plus strand). Cytogenetic location: 1p36.33.
Variant type: single nucleotide variant.
Coding change: c.5611G>A on transcript NM_198576.4 (MANE Select); coding-DNA position 5611, G replaced by A.
Protein change: p.Gly1871Arg; replaces glycine 1871 with arginine.
Molecular consequence: missense variant.
Genome position (GRCh38, 1-based): chr1:1,051,775, G>A. VCF-style: chr1-1051775-G-A. GRCh37 (hg19) VCF-style: chr1-987155-G-A.
Other names: c.5623G>A, p.Gly1875Arg (NM_001305275.2); c.5308G>A, p.Gly1770Arg (NM_001364727.2); short protein forms G1871R, G1770R, G1875R.
Identifiers: ClinVar variation 243040 (VCV000243040.10), dbSNP rs763818876, ClinGen allele CA510106.